The following is an entry in ClinVar:

ClinVar aggregate classification (germline): Pathogenic (1 of 4 stars; one submission).

Conditions:
Multiple congenital anomalies-hypotonia-seizures syndrome 1 (MCAHS1). Also called: GLYCOSYLPHOSPHATIDYLINOSITOL BIOSYNTHESIS DEFECT 3; PIGN-CDG; Congenital disorder of glycosylation due to PIGN deficiency. Identifiers: Orphanet 280633, MedGen C3279775, MONDO:0013563, OMIM 614080.

Submission:

Labcorp Genetics (formerly Invitae), Labcorp
Classification: Pathogenic for Multiple congenital anomalies-hypotonia-seizures syndrome 1. Last evaluated: 2025-11-13. Review status: criteria provided, single submitter. Criteria: Invitae Variant Classification Sherloc (09022015). Collection method: clinical testing. Allele origin: germline.
Comment: This sequence change creates a premature translational stop signal (p.Leu751Thrfs*8) in the PIGN gene. It is expected to result in an absent or disrupted protein product. Loss-of-function variants in PIGN are known to be pathogenic (PMID: 24253414, 27038415). This variant is present in population databases (no rsID available, gnomAD 0.006%). This premature translational stop signal has been observed in individual(s) with glycosylphosphatidylinositol deficiency (PMID: 38456468). For these reasons, this variant has been classified as Pathogenic.

Literature cited by the submitters: PubMed 24253414; PubMed 27038415; PubMed 38456468.

NM_176787.5(PIGN):c.2251_2252del (p.Leu751fs)

Gene: PIGN (phosphatidylinositol glycan anchor biosynthesis class N; minus strand). Cytogenetic location: 18q21.33.
Variant type: Microsatellite.
Coding change: c.2251_2252del on transcript NM_176787.5 (MANE Select); coding-DNA positions 2251 to 2252, 2 bases deleted (CT; older notation c.2251_2252delCT).
Protein change: p.Leu751fs; shifts the reading frame from leucine 751.
Molecular consequence: frameshift variant.
Genome position (GRCh38, 1-based): chr18:62,090,507-62,090,508, AG deleted on the plus strand (CT on the coding strand, the reverse complement: PIGN is on the minus strand); deleting any 2 consecutive bases within chr18:62,090,507-62,090,510 gives the same sequence; the c. name uses the placement nearest the transcript's 3' end. VCF-style (leftmost placement, unchanged base first): chr18-62090506-TAG-T. GRCh37 (hg19) VCF-style: chr18-59757739-TAG-T.
Other names: c.2251_2252del, p.Leu751fs (NM_012327.6); short protein forms L751fs.
Identifiers: ClinVar variation 1453175 (VCV001453175.6), dbSNP rs1341720994, ClinGen allele CA630105197.